The following is an entry in ClinVar:

ClinVar aggregate classification (germline): Likely benign. Review status: criteria provided, multiple submitters, no conflicts (2 of 4 stars). 4 submissions from 4 submitters: Likely benign (3). 1 of the submissions does not count toward it. Last evaluated 2025-12-22.

Conditions:
CSGALNACT1-related disorder. Also called: CSGALNACT1-related condition.

Allele frequency attached by ClinVar (database versions not stated): ESP Exome Variant Server 0.00077; gnomAD 0.00086 and 0.00095; gnomAD exomes 0.00091 and 0.00118; 1000 Genomes Project 30x 0.00094; 1000 Genomes Project 0.00100; ExAC 0.00121.
gnomAD v4.1: 1,514 of 1,614,158 alleles (0.094%); highest among the groups gnomAD compares: Middle Eastern, 1.6%; 5 homozygotes.

Submissions (4):

Labcorp Genetics (formerly Invitae), Labcorp
Classification: Likely benign. Last evaluated: 2025-12-22. Review status: criteria provided, single submitter. Criteria: Invitae Variant Classification Sherloc (09022015). Collection method: clinical testing. Allele origin: germline.

CeGaT Center for Human Genetics Tuebingen
Classification: Likely benign. Last evaluated: 2025-09-01. Review status: criteria provided, single submitter. Criteria: CeGaT Center For Human Genetics Tuebingen Variant Classification Criteria Version 2. Collection method: clinical testing. Allele origin: germline. Affected: yes. Observed: 1 variant allele.
Comment: CSGALNACT1: BP4, BS2

Breakthrough Genomics
Classification: Likely benign. Review status: criteria provided, single submitter. Criteria: ACMG Guidelines, 2015. Collection method: not provided. Allele origin: germline. Inheritance: Autosomal recessive inheritance. Affected: yes.

PreventionGenetics, part of Exact Sciences
Classification: Likely benign for CSGALNACT1-related condition. Last evaluated: 2022-04-01. Review status: no assertion criteria provided. Collection method: clinical testing. Allele origin: germline. Not counted in ClinVar's aggregate classification.
Comment: This variant is classified as likely benign based on ACMG/AMP sequence variant interpretation guidelines (Richards et al. 2015 PMID: 25741868, with internal and published modifications).

NM_001354483.2(CSGALNACT1):c.782C>T (p.Thr261Met)

Gene: CSGALNACT1 (chondroitin sulfate N-acetylgalactosaminyltransferase 1; minus strand). Cytogenetic location: 8p21.3.
Variant type: single nucleotide variant.
Coding change: c.782C>T on transcript NM_001354483.2 (MANE Select); coding-DNA position 782, C replaced by T.
Protein change: p.Thr261Met; replaces threonine 261 with methionine.
Molecular consequence: missense variant. On other transcripts: non-coding transcript variant (7).
Genome position (GRCh38, 1-based): chr8:19,458,495, G>A on the plus strand (C>T on the coding strand, the complement: CSGALNACT1 is on the minus strand). VCF-style: chr8-19458495-G-A. GRCh37 (hg19) VCF-style: chr8-19316006-G-A.
Other names: c.782C>T (NM_001130518.1); c.782C>T, p.Thr261Met (NM_001130518.2, NM_001354475.2, NM_001354476.2 and 18 more transcripts); short protein forms T261M.
Identifiers: ClinVar variation 1634095 (VCV001634095.18), dbSNP rs35868450, ClinGen allele CA4654118.